The following is an entry in ClinVar:

NM_014855.3(AP5Z1):c.*2500C>T

Gene: AP5Z1 (adaptor related protein complex 5 subunit zeta 1; plus strand). Cytogenetic location: 7p22.1.
Variant type: single nucleotide variant.
Coding change: c.*2500C>T on transcript NM_014855.3 (MANE Select); 2500 bases downstream of the stop codon, C replaced by T.
Molecular consequence: 3 prime UTR variant. On other transcripts: non-coding transcript variant (1).
Genome position (GRCh38, 1-based): chr7:4,793,885, C>T. VCF-style: chr7-4793885-C-T. GRCh37 (hg19) VCF-style: chr7-4833516-C-T.
Other names: c.*2500C>T (LRG_1247t1, NM_001364858.1).
Identifiers: ClinVar variation 360407 (VCV000360407.5), dbSNP rs139997541, ClinGen allele CA10626196.

ClinVar aggregate classification (germline): Likely benign (1 of 4 stars; one submission).

Conditions:
Hereditary spastic paraplegia 48. Also called: SPASTIC PARAPLEGIA 48, AUTOSOMAL RECESSIVE; Spastic paraplegia 48. Identifiers: Orphanet 306511, MedGen C3150901, MONDO:0013342, OMIM 613647.

Allele frequency attached by ClinVar (database versions not stated): gnomAD exomes 0.00240; 1000 Genomes Project 0.00579; 1000 Genomes Project 30x 0.00640; TOPMed 0.00694.

Submission:

Illumina Laboratory Services, Illumina
Classification: Likely benign for Hereditary spastic paraplegia 48. Last evaluated: 2018-01-13. Review status: criteria provided, single submitter. Criteria: ICSL Variant Classification Criteria 13 December 2019. Collection method: clinical testing. Allele origin: germline.
Comment: This variant was observed in the ICSL laboratory as part of a predisposition screen in an ostensibly healthy population. It had not been previously curated by ICSL or reported in the Human Gene Mutation Database (HGMD: prior to June 1st, 2018), and was therefore a candidate for classification through an automated scoring system. Utilizing variant allele frequency, disease prevalence and penetrance estimates, and inheritance mode, an automated score was calculated to assess if this variant is too frequent to cause the disease. Based on the score and internal cut-off values, a variant classified as likely benign is not then subjected to further curation. The score for this variant resulted in a classification of likely benign for this disease.